The following is an entry in ClinVar:

NM_005120.3(MED12):c.964G>T (p.Ala322Ser)

Gene: MED12 (mediator complex subunit 12; plus strand). Cytogenetic location: Xq13.1.
Variant type: single nucleotide variant.
Coding change: c.964G>T on transcript NM_005120.3 (MANE Select); coding-DNA position 964, G replaced by T.
Protein change: p.Ala322Ser; replaces alanine 322 with serine.
Molecular consequence: missense variant.
Genome position (GRCh38, 1-based): chrX:71,121,679, G>T. VCF-style: chrX-71121679-G-T. GRCh37 (hg19) VCF-style: chrX-70341529-G-T.
Other names: short protein forms A322S.
Identifiers: ClinVar variation 2248540 (VCV002248540.3), dbSNP rs2147779841, ClinGen allele CA413504794.

ClinVar aggregate classification (germline): Uncertain significance. Review status: criteria provided, multiple submitters, no conflicts (2 of 4 stars). 2 submissions from 2 submitters: Uncertain significance (2). Last evaluated 2024-05-07.

Conditions:
Familial thoracic aortic aneurysm and aortic dissection (TAAD). Also called: Thoracic aortic aneurysms and dissections. Identifiers: Orphanet 91387, MedGen C4707243, MONDO:0019625.

Submissions (2):

GeneDx
Classification: Uncertain significance. Last evaluated: 2024-05-07. Review status: criteria provided, single submitter. Criteria: GeneDx Variant Classification Process June 2021. Collection method: clinical testing. Allele origin: germline. Affected: yes.
Comment: Not observed at significant frequency in large population cohorts (gnomAD); In silico analysis indicates that this missense variant does not alter protein structure/function; In silico analysis suggests this variant may impact gene splicing. In the absence of RNA/functional studies, the actual effect of this sequence change is unknown.; Has not been previously published as pathogenic or benign to our knowledge

Ambry Genetics
Classification: Uncertain significance for Familial thoracic aortic aneurysm and aortic dissection. Last evaluated: 2022-07-13. Review status: criteria provided, single submitter. Criteria: Ambry Variant Classification Scheme 2023. Collection method: clinical testing. Allele origin: germline.
Comment: The c.964G>T (p.A322S) alteration is located in exon 7 (coding exon 7) of the MED12 gene. This alteration results from a G to T substitution at nucleotide position 964, causing the alanine (A) at amino acid position 322 to be replaced by a serine (S). This variant was not reported in population-based cohorts in the Genome Aggregation Database (gnomAD). This amino acid position is not well conserved in available vertebrate species. This alteration is predicted to be tolerated by in silico analysis. Based on insufficient or conflicting evidence, the clinical significance of this alteration remains unclear.